The following is an entry in ClinVar:

ClinVar aggregate classification (germline): Likely benign (0 of 4 stars; one submission).

Conditions:
TAPT1-related disorder. Also called: TAPT1-related condition.

Allele frequency attached by ClinVar (database versions not stated): gnomAD exomes below 0.00001.
gnomAD v4.1: 1 of 1,372,588 alleles (0.000073%); highest among the groups gnomAD compares: Admixed American, 0.0025%; no homozygotes.

Submission:

PreventionGenetics, part of Exact Sciences
Classification: Likely benign for TAPT1-related condition. Last evaluated: 2019-06-05. Review status: no assertion criteria provided. Collection method: clinical testing. Allele origin: germline.
Comment: This variant is classified as likely benign based on ACMG/AMP sequence variant interpretation guidelines (Richards et al. 2015 PMID: 25741868, with internal and published modifications).

NM_153365.3(TAPT1):c.1107+10T>C

Gene: TAPT1 (transmembrane anterior posterior transformation 1; minus strand). Cytogenetic location: 4p15.32.
Variant type: single nucleotide variant.
Coding change: c.1107+10T>C on transcript NM_153365.3 (MANE Select); 10 bases into the intron after coding-DNA position 1107, T replaced by C.
Molecular consequence: intron variant.
Genome position (GRCh38, 1-based): chr4:16,176,109, A>G on the plus strand (T>C on the coding strand, the complement: TAPT1 is on the minus strand). VCF-style: chr4-16176109-A-G. GRCh37 (hg19) VCF-style: chr4-16177732-A-G.
Identifiers: ClinVar variation 3043650 (VCV003043650.2), dbSNP rs1205827315, ClinGen allele CA550003475.